The following is an entry in ClinVar:

ClinVar aggregate classification (germline): Uncertain significance (1 of 4 stars; one submission).

Submission:

Centre of Medical Genetics, University Hospital Muenster
Classification: Uncertain significance. Last evaluated: 2021-12-08. Review status: criteria provided, single submitter. Criteria: ACMG Guidelines, 2015. Collection method: clinical testing. Allele origin: unknown. Affected: yes. Observed: 1 variant allele, 1 heterozygote.
Comment: ACMG categories: PM1,PM2,PP3

NM_000208.4(INSR):c.2830G>C (p.Val944Leu)

Gene: INSR (insulin receptor; minus strand). Cytogenetic location: 19p13.2.
Variant type: single nucleotide variant.
Coding change: c.2830G>C on transcript NM_000208.4 (MANE Select); coding-DNA position 2830, G replaced by C.
Protein change: p.Val944Leu; replaces valine 944 with leucine.
Molecular consequence: missense variant.
Genome position (GRCh38, 1-based): chr19:7,132,170, C>G on the plus strand (G>C on the coding strand, the complement: INSR is on the minus strand). VCF-style: chr19-7132170-C-G. GRCh37 (hg19) VCF-style: chr19-7132181-C-G.
Other names: c.2794G>C, p.Val932Leu (NM_001079817.3); short protein forms V932L, V944L.
Identifiers: ClinVar variation 1708445 (VCV001708445.2), dbSNP rs753371466, ClinGen allele CA403671922.